The following is an entry in ClinVar:

ClinVar aggregate classification (germline): Uncertain significance. Review status: criteria provided, multiple submitters, no conflicts (2 of 4 stars). 2 submissions from 2 submitters: Uncertain significance (2). Last evaluated 2025-06-30.

Conditions:
Familial cancer of breast. Also called: hereditary breast carcinoma; BREAST CANCER, FAMILIAL; Hereditary breast cancer. Identifiers: Orphanet 227535, MedGen C0346153, MONDO:0016419, OMIM 114480. Disease mechanism: loss of function.
Fanconi anemia complementation group J. Also called: BRIP1-Related Fanconi Anemia. Identifiers: Orphanet 84, MedGen C1836860, MONDO:0012187, OMIM 609054.
Hereditary cancer-predisposing syndrome. Also called: Hereditary Cancer Syndrome; Tumor predisposition; Neoplastic Syndromes, Hereditary; Hereditary neoplastic syndrome. Identifiers: Orphanet 140162, MedGen C0027672, MeSH D009386, MONDO:0015356.

Submissions (2):

Ambry Genetics
Classification: Uncertain significance for Hereditary cancer-predisposing syndrome. Last evaluated: 2025-06-30. Review status: criteria provided, single submitter. Criteria: Ambry Variant Classification Scheme 2023. Collection method: clinical testing. Allele origin: germline.

Labcorp Genetics (formerly Invitae), Labcorp
Classification: Uncertain significance for Familial cancer of breast; Fanconi anemia complementation group J. Last evaluated: 2018-09-17. Review status: criteria provided, single submitter. Criteria: Invitae Variant Classification Sherloc (09022015). Collection method: clinical testing. Allele origin: germline.
Comment: This sequence change replaces asparagine with threonine at codon 1028 of the BRIP1 protein (p.Asn1028Thr). The asparagine residue is weakly conserved and there is a small physicochemical difference between asparagine and threonine. This variant is not present in population databases (ExAC no frequency). This variant has not been reported in the literature in individuals with BRIP1-related disease. Algorithms developed to predict the effect of missense changes on protein structure and function (SIFT, PolyPhen-2, Align-GVGD) all suggest that this variant is likely to be tolerated, but these predictions have not been confirmed by published functional studies and their clinical significance is uncertain. In summary, the available evidence is currently insufficient to determine the role of this variant in disease. Therefore, it has been classified as a Variant of Uncertain Significance.

NM_032043.3(BRIP1):c.3083A>C (p.Asn1028Thr)

Gene: BRIP1 (BRCA1 interacting DNA helicase 1; minus strand). Cytogenetic location: 17q23.2.
Variant type: single nucleotide variant.
Coding change: c.3083A>C on transcript NM_032043.3 (MANE Select); coding-DNA position 3083, A replaced by C.
Protein change: p.Asn1028Thr; replaces asparagine 1028 with threonine.
Molecular consequence: missense variant.
Genome position (GRCh38, 1-based): chr17:61,683,963, T>G on the plus strand (A>C on the coding strand, the complement: BRIP1 is on the minus strand). VCF-style: chr17-61683963-T-G. GRCh37 (hg19) VCF-style: chr17-59761324-T-G.
Other names: short protein forms N1028T.
Identifiers: ClinVar variation 651303 (VCV000651303.13), dbSNP rs1060501762, ClinGen allele CA400479821.